The following is an entry in ClinVar:

NM_001206927.2(DNAH8):c.10791-1G>T

Genes: DNAH8 (dynein axonemal heavy chain 8; plus strand), DNAH8-AS1 (DNAH8 antisense RNA 1; minus strand). Cytogenetic location: 6p21.2.
Variant type: single nucleotide variant.
Coding change: c.10791-1G>T on transcript NM_001206927.2 (MANE Select); the canonical splice acceptor site of the intron before coding-DNA position 10791, G replaced by T.
Molecular consequence: splice acceptor variant.
Genome position (GRCh38, 1-based): chr6:38,923,990, G>T. VCF-style: chr6-38923990-G-T. GRCh37 (hg19) VCF-style: chr6-38891766-G-T.
Other names: c.10140-1G>T (NM_001371.4).
Identifiers: ClinVar variation 3689551 (VCV003689551.2).
Genomic context (GRCh38, chr6:38,923,990, plus strand): 5'-CTCAAACAACTTAATGTCAGGTGACTCACTTTGGGGAGGGGGCTGTGTGTTTTCTTCACA[G>T]ACTTGTAGGTGATATTCTGCTGTGCACGGGATTCCTTTCCTACCTTGGTCCTTTCAATCA-3'

ClinVar aggregate classification (germline): Likely pathogenic (1 of 4 stars; one submission).

Conditions:
Primary ciliary dyskinesia. Also called: Ciliary dyskinesia. Identifiers: Orphanet 244, MedGen C0008780, MONDO:0016575, HP:0012265.

Submission:

Labcorp Genetics (formerly Invitae), Labcorp
Classification: Likely pathogenic for Primary ciliary dyskinesia. Last evaluated: 2024-06-21. Review status: criteria provided, single submitter. Criteria: Invitae Variant Classification Sherloc (09022015). Collection method: clinical testing. Allele origin: germline.
Comment: This sequence change affects an acceptor splice site in intron 72 of the DNAH8 gene. It is expected to disrupt RNA splicing. Variants that disrupt the donor or acceptor splice site typically lead to a loss of protein function (PMID: 16199547), and loss-of-function variants in DNAH8 are known to be pathogenic (PMID: 24307375, 32619401, 32681648). This variant is not present in population databases (gnomAD no frequency). This variant has not been reported in the literature in individuals affected with DNAH8-related conditions. Algorithms developed to predict the effect of sequence changes on RNA splicing suggest that this variant may disrupt the consensus splice site. In summary, the currently available evidence indicates that the variant is pathogenic, but additional data are needed to prove that conclusively. Therefore, this variant has been classified as Likely Pathogenic.

Literature cited by the submitters: PubMed 16199547; PubMed 24307375; PubMed 32619401; PubMed 32681648.